The following is an entry in ClinVar:

NM_001377137.1(GBF1):c.4776+82A>G

Gene: GBF1 (golgi brefeldin A resistant guanine nucleotide exchange factor 1; plus strand). Cytogenetic location: 10q24.32.
Variant type: single nucleotide variant.
Coding change: c.4776+82A>G on transcript NM_001377137.1 (MANE Select); 82 bases into the intron after coding-DNA position 4776, A replaced by G.
Molecular consequence: intron variant.
Genome position (GRCh38, 1-based): chr10:102,379,733, A>G. VCF-style: chr10-102379733-A-G. GRCh37 (hg19) VCF-style: chr10-104139490-A-G.
Other names: c.4761+82A>G (NM_001391924.1, NM_001199379.2, NM_001391927.1); c.4764+82A>G (NM_001391923.1, NM_001199378.2); c.4773+82A>G (NM_001377141.1, NM_004193.3); c.4872+82A>G (NM_001411027.1); c.4860+82A>G (NM_001391922.1); c.4848+82A>G (NM_001411003.1); c.4728+82A>G (NM_001391926.1); c.4480-120A>G (NM_001391930.1); and 7 more.
Identifiers: ClinVar variation 4292554 (VCV004292554.1).

ClinVar aggregate classification (germline): Uncertain significance (1 of 4 stars; one submission).

Conditions:
Charcot-Marie-Tooth Disease, axonal, type 2GG (CMT2GG). Also called: Charcot-Marie-Tooth neuropathy, type 2GG; Charcot-Marie-Tooth neuropathy, axonal, type 2GG; Charcot-Marie-Tooth disease dominant intermediate II. Identifiers: Orphanet 100043, MedGen C5561933, MONDO:0011675, OMIM 606483.

Submission:

3billion
Classification: Uncertain significance for Charcot-Marie-Tooth Disease, axonal, type 2GG. Last evaluated: 2025-02-24. Review status: criteria provided, single submitter. Criteria: ACMG Guidelines, 2015. Collection method: clinical testing. Allele origin: germline. Affected: yes.
Comment: The variant is not observed in the gnomAD v4.1.0 dataset. Predicted Consequence/Location: Intron variant In silico tools predict the variant to alter splicing and produce an abnormal transcript [SpliceAI: 0.64 (>=0.2, moderate evidence for spliceogenicity)]. Therefore, this variant is classified as VUS according to the recommendation of ACMG/AMP guideline.